The following is an entry in ClinVar:

ClinVar aggregate classification (germline): Uncertain significance (1 of 4 stars; one submission).

Conditions:
Cardiovascular phenotype. Identifiers: MedGen CN230736.

gnomAD v4.1: 4 of 1,613,978 alleles (0.00025%); highest among the groups gnomAD compares: Non-Finnish European, 0.00025%; no homozygotes.

Submission:

Ambry Genetics
Classification: Uncertain significance for Cardiovascular phenotype. Last evaluated: 2025-02-06. Review status: criteria provided, single submitter. Criteria: Ambry Variant Classification Scheme 2023. Collection method: clinical testing. Allele origin: germline.
Comment: The p.A2700T variant (also known as c.8098G>A), located in coding exon 32 of the AKAP9 gene, results from a G to A substitution at nucleotide position 8098. The alanine at codon 2700 is replaced by threonine, an amino acid with similar properties. This amino acid position is conserved. In addition, this alteration is predicted to be tolerated by in silico analysis. Based on the available evidence, the clinical significance of this variant remains unclear.

NM_005751.5(AKAP9):c.8098G>A (p.Ala2700Thr)

Gene: AKAP9 (A-kinase anchoring protein 9; plus strand). Cytogenetic location: 7q21.2.
Variant type: single nucleotide variant.
Coding change: c.8098G>A on transcript NM_005751.5 (MANE Select); coding-DNA position 8098, G replaced by A.
Protein change: p.Ala2700Thr; replaces alanine 2700 with threonine.
Molecular consequence: missense variant.
Genome position (GRCh38, 1-based): chr7:92,082,600, G>A. VCF-style: chr7-92082600-G-A. GRCh37 (hg19) VCF-style: chr7-91711914-G-A.
Other names: c.2743G>A, p.Ala915Thr (NM_001379277.1); c.8074G>A, p.Ala2692Thr (NM_147185.3); short protein forms A2692T, A2700T, A915T.
Identifiers: ClinVar variation 3849633 (VCV003849633.1).
Genomic context (GRCh38, chr7:92,082,600, plus strand): 5'-CATAGCAATGAAGAAAGTGGATTTTTTAATGAACTCGAGGCTCTTAGAGCTGAATCAGTG[G>A]CTACCAAAGCAGAACTTGCCAGTTATAAAGAAAAGGCTGAAAAACTTCAAGAAGAGCTTT-3'
Protein context (NP_005742.4, residues 2690-2710): ELEALRAESV[Ala2700Thr]TKAELASYKE